The following is an entry in ClinVar:

ClinVar aggregate classification (germline): Uncertain significance (1 of 4 stars; one submission).

Conditions:
Intellectual developmental disorder, X-linked 1. Also called: Atkin Flaitz Patil Smith syndrome; Intellectual disability, X-linked 1; MENTAL RETARDATION, X-LINKED 18; MENTAL RETARDATION, X-LINKED 78. Identifiers: Orphanet 777, MedGen C2931498, MONDO:0010656, OMIM 309530.

Allele frequency attached by ClinVar (database versions not stated): ExAC 0.00001; gnomAD exomes 0.00001.
gnomAD v4.1: 6 of 1,211,407 alleles (0.0005%); highest among the groups gnomAD compares: South Asian, 0.0018%; no homozygotes.

Submission:

Labcorp Genetics (formerly Invitae), Labcorp
Classification: Uncertain significance for Intellectual developmental disorder, X-linked 1. Last evaluated: 2023-10-13. Review status: criteria provided, single submitter. Criteria: Invitae Variant Classification Sherloc (09022015). Collection method: clinical testing. Allele origin: germline.
Comment: This sequence change replaces arginine, which is basic and polar, with histidine, which is basic and polar, at codon 315 of the IQSEC2 protein (p.Arg315His). This variant is present in population databases (rs782109264, gnomAD 0.001%), including at least one homozygous and/or hemizygous individual. This variant has not been reported in the literature in individuals affected with IQSEC2-related conditions. Advanced modeling of protein sequence and biophysical properties (such as structural, functional, and spatial information, amino acid conservation, physicochemical variation, residue mobility, and thermodynamic stability) has been performed at Invitae for this missense variant, however the output from this modeling did not meet the statistical confidence thresholds required to predict the impact of this variant on IQSEC2 protein function. In summary, the available evidence is currently insufficient to determine the role of this variant in disease. Therefore, it has been classified as a Variant of Uncertain Significance.

NM_001111125.3(IQSEC2):c.944G>A (p.Arg315His)

Gene: IQSEC2 (IQ motif and Sec7 domain ArfGEF 2; minus strand). Cytogenetic location: Xp11.22.
Variant type: single nucleotide variant.
Coding change: c.944G>A on transcript NM_001111125.3 (MANE Select); coding-DNA position 944, G replaced by A.
Protein change: p.Arg315His; replaces arginine 315 with histidine.
Molecular consequence: missense variant.
Genome position (GRCh38, 1-based): chrX:53,255,855, C>T on the plus strand (G>A on the coding strand, the complement: IQSEC2 is on the minus strand). VCF-style: chrX-53255855-C-T. GRCh37 (hg19) VCF-style: chrX-53285037-C-T.
Other names: c.944G>A, p.Arg315His (NM_001410736.1); c.329G>A, p.Arg110His (NM_015075.2); short protein forms R110H, R315H.
Identifiers: ClinVar variation 2874279 (VCV002874279.3), dbSNP rs782109264, ClinGen allele CA10420126.